The following is an entry in ClinVar:

NM_018055.5(NODAL):c.700_723delinsTTGACTTCC (p.Arg234_Pro241delinsLeuThrSer)

Gene: NODAL (nodal growth differentiation factor; minus strand). Cytogenetic location: 10q22.1.
Variant type: Indel.
Coding change: c.700_723delinsTTGACTTCC on transcript NM_018055.5 (MANE Select); coding-DNA positions 700 to 723, AGGCACCGTCGACATCACTTGCCA replaced by TTGACTTCC.
Protein change: p.Arg234_Pro241delinsLeuThrSer.
Molecular consequence: inframe indel.
Genome position (GRCh38, 1-based): chr10:70,435,454-70,435,477, TGGCAAGTGATGTCGACGGTGCCT replaced by GGAAGTCAA on the plus strand (AGGCACCGTCGACATCACTTGCCA replaced by TTGACTTCC on the coding strand, the reverse complement: NODAL is on the minus strand). GRCh37 (hg19): chr10:72,195,210-72,195,233.
Other names: c.700_723delinsTTGACTTCC (NM_018055.4); c.301_324delinsTTGACTTCC, p.Arg101_Pro108delinsLeuThrSer (NM_001329906.2).
Identifiers: ClinVar variation 1678001 (VCV001678001.4), dbSNP rs2132214841, ClinGen allele CA2573145392.

ClinVar aggregate classification (germline): Conflicting classifications of pathogenicity. Review status: criteria provided, conflicting classifications (1 of 4 stars). 4 submissions from 4 submitters: Likely pathogenic (1); Uncertain significance (2). 1 of the submissions does not count toward it. Last evaluated 2024-01-30.

Conditions:
Heterotaxy, visceral, 5, autosomal (HTX5). Also called: Heterotaxy, visceral, 5. Identifiers: Orphanet 450, MedGen C3495537, MONDO:0700112, OMIM 270100.
NODAL-related disorder. Also called: NODAL-related condition; NODAL-related disorders. Identifiers: MedGen CN239298.

Submissions (4):

Baylor Genetics
Classification: Likely pathogenic for Heterotaxy, visceral, 5, autosomal. Last evaluated: 2024-01-30. Review status: criteria provided, single submitter. Criteria: ACMG Guidelines, 2015. Collection method: clinical testing. Allele origin: unknown.

PreventionGenetics, part of Exact Sciences
Classification: Uncertain significance for NODAL-related condition. Last evaluated: 2023-05-16. Review status: criteria provided, single submitter. Criteria: ACMG Guidelines, 2015. Collection method: clinical testing. Allele origin: germline.
Comment: The NODAL c.700_723delinsTTGACTTCC variant is predicted to result in an in-frame deletion and insertion. lformations, and tachycardia (Table 2, Mohapatra et al. 2009. PubMed ID: 19064609). This variant has not been reported in a large population database, indicating this variant is rare. At this time, the clinical significance of this variant is uncertain due to the absence of conclusive functional and genetic evidence.

AiLife Diagnostics
Classification: Uncertain significance. Last evaluated: 2022-02-28. Review status: criteria provided, single submitter. Criteria: ACMG Guidelines, 2015. Collection method: clinical testing. Allele origin: germline. Affected: yes. Observed: 1 variant allele.

OMIM
Classification: Pathogenic for HETEROTAXY, VISCERAL, 5, AUTOSOMAL. Last evaluated: 2009-03-01. Review status: no assertion criteria provided. Collection method: literature only. Allele origin: germline. Not counted in ClinVar's aggregate classification.

Literature cited by the submitters: PubMed 19064609 (cited by OMIM).